The following is an entry in ClinVar:

NM_024306.5(FA2H):c.268C>G (p.Gln90Glu)

Genes: FA2H (fatty acid 2-hydroxylase; minus strand), LOC130059393 (ATAC-STARR-seq lymphoblastoid silent region 7700; plus strand). Cytogenetic location: 16q23.1.
Variant type: single nucleotide variant.
Coding change: c.268C>G on transcript NM_024306.5 (MANE Select); coding-DNA position 268, C replaced by G.
Protein change: p.Gln90Glu; replaces glutamine 90 with glutamic acid.
Molecular consequence: missense variant.
Genome position (GRCh38, 1-based): chr16:74,774,488, G>C on the plus strand (C>G on the coding strand, the complement: FA2H is on the minus strand). VCF-style: chr16-74774488-G-C. GRCh37 (hg19) VCF-style: chr16-74808386-G-C.
Other names: short protein forms Q90E.
Identifiers: ClinVar variation 1472421 (VCV001472421.6), dbSNP rs2144672216, ClinGen allele CA396768055.

ClinVar aggregate classification (germline): Uncertain significance (1 of 4 stars; one submission).

Conditions:
Spastic paraplegia. Identifiers: MedGen C0037772, HP:0001258.

gnomAD v4.1: 1 of 1,515,666 alleles (0.000066%); no homozygotes.

Submission:

Labcorp Genetics (formerly Invitae), Labcorp
Classification: Uncertain significance for Spastic paraplegia. Last evaluated: 2024-02-24. Review status: criteria provided, single submitter. Criteria: Invitae Variant Classification Sherloc (09022015). Collection method: clinical testing. Allele origin: germline.
Comment: This sequence change replaces glutamine, which is neutral and polar, with glutamic acid, which is acidic and polar, at codon 90 of the FA2H protein (p.Gln90Glu). This variant is not present in population databases (gnomAD no frequency). This variant has not been reported in the literature in individuals affected with FA2H-related conditions. ClinVar contains an entry for this variant (Variation ID: 1472421). An algorithm developed to predict the effect of missense changes on protein structure and function (PolyPhen-2) suggests that this variant is likely to be tolerated. In summary, the available evidence is currently insufficient to determine the role of this variant in disease. Therefore, it has been classified as a Variant of Uncertain Significance.